The following is an entry in ClinVar:

NM_000383.4(AIRE):c.979C>T (p.Leu327Phe)

Gene: AIRE (autoimmune regulator; plus strand). Cytogenetic location: 21q22.3.
Variant type: single nucleotide variant.
Coding change: c.979C>T on transcript NM_000383.4 (MANE Select); coding-DNA position 979, C replaced by T.
Protein change: p.Leu327Phe; replaces leucine 327 with phenylalanine.
Molecular consequence: missense variant.
Genome position (GRCh38, 1-based): chr21:44,291,194, C>T. VCF-style: chr21-44291194-C-T. GRCh37 (hg19) VCF-style: chr21-45711077-C-T.
Other names: short protein forms L327F.
Identifiers: ClinVar variation 2501925 (VCV002501925.1), dbSNP rs1029648118, ClinGen allele CA410424995.

ClinVar aggregate classification (germline): Uncertain significance (1 of 4 stars; one submission).

gnomAD v4.1: 1 of 1,603,426 alleles (0.000062%); no homozygotes.

Submission:

GeneDx
Classification: Uncertain significance. Last evaluated: 2022-11-15. Review status: criteria provided, single submitter. Criteria: GeneDx Variant Classification Process June 2021. Collection method: clinical testing. Allele origin: germline. Affected: yes.
Comment: Not observed at significant frequency in large population cohorts (gnomAD); In silico analysis supports that this missense variant has a deleterious effect on protein structure/function; Has not been previously published as pathogenic or benign to our knowledge